The following is an entry in ClinVar:

NM_001999.4(FBN2):c.5495G>A (p.Arg1832His)

Gene: FBN2 (fibrillin 2; minus strand). Cytogenetic location: 5q23.3.
Variant type: single nucleotide variant.
Coding change: c.5495G>A on transcript NM_001999.4 (MANE Select); coding-DNA position 5495, G replaced by A.
Protein change: p.Arg1832His; replaces arginine 1832 with histidine.
Molecular consequence: missense variant.
Genome position (GRCh38, 1-based): chr5:128,305,876, C>T on the plus strand (G>A on the coding strand, the complement: FBN2 is on the minus strand). VCF-style: chr5-128305876-C-T. GRCh37 (hg19) VCF-style: chr5-127641568-C-T.
Other names: short protein forms R1832H.
Identifiers: ClinVar variation 458771 (VCV000458771.58), dbSNP rs140276399, ClinGen allele CA3394683.

ClinVar aggregate classification (germline): Conflicting classifications of pathogenicity. Review status: criteria provided, conflicting classifications (1 of 4 stars). 8 submissions from 8 submitters: Uncertain significance (6); Benign (1). 1 of the submissions does not count toward it. Last evaluated 2026-01-09.

Conditions:
FBN2-related disorder. Also called: FBN2-related condition.
Connective tissue disorder. Also called: Connective tissue disease. Identifiers: MedGen C0009782, MONDO:0003900.
Familial thoracic aortic aneurysm and aortic dissection (TAAD). Also called: Thoracic aortic aneurysms and dissections. Identifiers: Orphanet 91387, MedGen C4707243, MONDO:0019625.
Congenital contractural arachnodactyly (CCA). Also called: BEALS SYNDROME; Beals-Hecht syndrome; Arthrogryposis, distal, type 9. Identifiers: Orphanet 115, MedGen C0220668, MONDO:0007363, OMIM 121050.

Allele frequency attached by ClinVar (database versions not stated): ExAC 0.00002; gnomAD exomes 0.00003; gnomAD 0.00007; ESP Exome Variant Server 0.00008; TOPMed 0.00009.
gnomAD v4.1: 173 of 1,613,744 alleles (0.011%); highest among the groups gnomAD compares: Middle Eastern, 0.016%; no homozygotes.

Submissions (8):

Labcorp Genetics (formerly Invitae), Labcorp
Classification: Benign for Congenital contractural arachnodactyly. Last evaluated: 2026-01-09. Review status: criteria provided, single submitter. Criteria: Invitae Variant Classification Sherloc (09022015). Collection method: clinical testing. Allele origin: germline.

GeneDx
Classification: Uncertain significance. Last evaluated: 2025-09-11. Review status: criteria provided, single submitter. Criteria: GeneDx Variant Classification Process June 2021. Collection method: clinical testing. Allele origin: germline. Affected: yes.
Comment: In silico analysis supports that this missense variant has a deleterious effect on protein structure/function; Has not been previously published as pathogenic or benign to our knowledge; Although located in a calcium-binding EGF-like domain of the FBN2 gene, it does not substitute or introduce a cysteine residue (PMID: 19006240, 18767143); This variant is associated with the following publications: (PMID: 19006240, 18767143)

Women's Health and Genetics/Laboratory Corporation of America, LabCorp
Classification: Uncertain significance. Last evaluated: 2024-02-25. Review status: criteria provided, single submitter. Criteria: LabCorp Variant Classification Summary - May 2015. Collection method: clinical testing. Allele origin: germline.

Ambry Genetics
Classification: Uncertain significance for Familial thoracic aortic aneurysm and aortic dissection. Last evaluated: 2023-11-30. Review status: criteria provided, single submitter. Criteria: Ambry Variant Classification Scheme 2023. Collection method: clinical testing. Allele origin: germline.
Comment: The p.R1832H variant (also known as c.5495G>A), located in coding exon 43 of the FBN2 gene, results from a G to A substitution at nucleotide position 5495. The arginine at codon 1832 is replaced by histidine, an amino acid with highly similar properties. This amino acid position is highly conserved in available vertebrate species. In addition, this alteration is predicted to be deleterious by in silico analysis. Since supporting evidence is limited at this time, the clinical significance of this alteration remains unclear.

CeGaT Center for Human Genetics Tuebingen
Classification: Uncertain significance. Last evaluated: 2019-01-01. Review status: criteria provided, single submitter. Criteria: CeGaT Center For Human Genetics Tuebingen Variant Classification Criteria Version 2. Collection method: clinical testing. Allele origin: germline. Affected: yes. Observed: 1 variant allele.

Illumina Laboratory Services, Illumina
Classification: Uncertain significance for Congenital contractural arachnodactyly. Last evaluated: 2018-01-12. Review status: criteria provided, single submitter. Criteria: ICSL Variant Classification Criteria 13 December 2019. Collection method: clinical testing. Allele origin: germline.

Center for Human Genetics, Inc
Classification: Uncertain significance for Connective tissue disorder. Last evaluated: 2016-11-01. Review status: criteria provided, single submitter. Criteria: ACMG Guidelines, 2015. Collection method: clinical testing. Allele origin: germline. Affected: yes.

PreventionGenetics, part of Exact Sciences
Classification: Uncertain significance for FBN2-related condition. Last evaluated: 2024-09-11. Review status: no assertion criteria provided. Collection method: clinical testing. Allele origin: germline. Not counted in ClinVar's aggregate classification.
Comment: The FBN2 c.5495G>A variant is predicted to result in the amino acid substitution p.Arg1832His. To our knowledge, this variant has not been reported in the literature. This variant is reported in 0.0098% of alleles in individuals of South Asian descent in gnomAD. At this time, the clinical significance of this variant is uncertain due to the absence of conclusive functional and genetic evidence.